The following is an entry in ClinVar:

ClinVar aggregate classification (germline): Conflicting classifications of pathogenicity. Review status: criteria provided, conflicting classifications (1 of 4 stars). 7 submissions from 7 submitters: Uncertain significance (1); Likely benign (5). 1 of the submissions does not count toward it. Last evaluated 2025-12-19.

Conditions:
Inborn genetic diseases. Identifiers: MedGen C0950123, MeSH D030342.
FG syndrome 4 (FGS4). Identifiers: MedGen C1845546, MONDO:0010318, OMIM 300422.
Intellectual disability, CASK-related, X-linked. Identifiers: MedGen CN043158.
Syndromic X-linked intellectual disability Najm type (MICPCH). Also called: Intellectual Disability and Microcephaly with Pontine and Cerebellar Hypoplasia (MICPCH); MICPCH SYNDROME; Mental retardation and microcephaly with pontine and cerebellar hypoplasia; Intellectual Disability and Microcephaly with Pontine and Cerebellar Hypoplasia; Intellectual developmental disorder and microcephaly with pontine and cerebellar hypoplasia; MENTAL RETARDATION, X-LINKED, SYNDROMIC, NAJM TYPE. Identifiers: Orphanet 163937, MedGen C2677903, MONDO:0010417, OMIM 300749.

Allele frequency attached by ClinVar (database versions not stated): ExAC 0.00005; gnomAD exomes 0.00006; gnomAD 0.00026; TOPMed 0.00026.
gnomAD v4.1: 70 of 1,202,665 alleles (0.0058%); highest among the groups gnomAD compares: African/African-American, 0.1%; no homozygotes.

Submissions (7):

Labcorp Genetics (formerly Invitae), Labcorp
Classification: Likely benign for Intellectual disability, CASK-related, X-linked. Last evaluated: 2025-12-19. Review status: criteria provided, single submitter. Criteria: Invitae Variant Classification Sherloc (09022015). Collection method: clinical testing. Allele origin: germline.

CeGaT Center for Human Genetics Tuebingen
Classification: Likely benign. Last evaluated: 2024-01-01. Review status: criteria provided, single submitter. Criteria: CeGaT Center For Human Genetics Tuebingen Variant Classification Criteria Version 2. Collection method: clinical testing. Allele origin: germline. Affected: yes. Observed: 1 variant allele.
Comment: CASK: BS2

Mendelics
Classification: Likely benign for Syndromic X-linked intellectual disability Najm type. Last evaluated: 2020-05-06. Review status: criteria provided, single submitter. Criteria: Mendelics Assertion Criteria 2017. Collection method: clinical testing. Allele origin: unknown. Inheritance: X-linked dominant inheritance.
Comment: This variant, that leads to the substitution of proline in codon 396 for serine, has been previously reported in medical literature to segregate with the phenotype of X-linked intellectual deficiency in one family (PMID: 19377476). However, functional studies demonstrate that it results in a structurally stable protein and interactions with liprin-Î±, Mint-1 and Veli are preserved (PMID: 24505460). In addition, it is observed at a higher than expected frequency in population databases, including 5 hemizygous individuals (gnomAD v2.1.1). Therefore, this variant was considered to be likely benign.

GeneDx
Classification: Likely benign. Last evaluated: 2020-02-14. Review status: criteria provided, single submitter. Criteria: GeneDx Variant Classification Process June 2021. Collection method: clinical testing. Allele origin: germline. Affected: yes.
Comment: This variant is associated with the following publications: (PMID: 19377476, 23871722, 33090494, 24505460, 21954287, 22452838, 19847910, 21735175, 29426960, 25886057, 20029458)

Eurofins Ntd Llc (ga)
Classification: Uncertain significance. Last evaluated: 2018-06-07. Review status: criteria provided, single submitter. Criteria: EGL ClinVar v180209 classification definitions. Collection method: clinical testing. Allele origin: germline. Observed: 1 variant allele, 1 heterozygote.

Ambry Genetics
Classification: Likely benign for Inborn genetic diseases. Last evaluated: 2018-01-24. Review status: criteria provided, single submitter. Criteria: Ambry Variant Classification Scheme 2023. Collection method: clinical testing. Allele origin: germline.

OMIM
Classification: Pathogenic for INTELLECTUAL DEVELOPMENTAL DISORDER, X-LINKED, WITHOUT NYSTAGMUS. Last evaluated: 2009-05-01. Review status: no assertion criteria provided. Collection method: literature only. Allele origin: germline. Not counted in ClinVar's aggregate classification.

Literature cited by the submitters: PubMed 19377476 (cited by Ambry Genetics and OMIM); PubMed 23871722 (cited by Ambry Genetics); PubMed 24505460 (cited by Ambry Genetics); PubMed 28944139 (cited by Ambry Genetics).

NM_001367721.1(CASK):c.1186C>T (p.Pro396Ser)

Gene: CASK (calcium/calmodulin dependent serine protein kinase; minus strand). Cytogenetic location: Xp11.4.
Variant type: single nucleotide variant.
Coding change: c.1186C>T on transcript NM_001367721.1 (MANE Select); coding-DNA position 1186, C replaced by T.
Protein change: p.Pro396Ser; replaces proline 396 with serine.
Molecular consequence: missense variant.
Genome position (GRCh38, 1-based): chrX:41,589,562, G>A on the plus strand (C>T on the coding strand, the complement: CASK is on the minus strand). VCF-style: chrX-41589562-G-A. GRCh37 (hg19) VCF-style: chrX-41448815-G-A.
Other names: c.1186C>T, p.Pro396Ser (NM_001126054.3, NM_003688.4); c.1168C>T, p.Pro390Ser (NM_001126055.3, NM_001410745.1); short protein forms P396S, P390S.
Identifiers: ClinVar variation 11536 (VCV000011536.48), dbSNP rs137852820, ClinGen allele CA121539.
Genomic context (GRCh38, chrX:41,589,562, plus strand): 5'-ATATATCACTTACCTCTTTGGCTCTCTGTACTGCATCGCTTGGAGGATTCCTGATTTGTG[G>A]TGAAGACTTTGTGTTAATTTTGTCATACAGCTAAAAAGCAAAGAAGAAAATCCAGTAAAC-3'
Protein context (NP_001354650.1, residues 386-406): LYDKINTKSS[Pro396Ser]QIRNPPSDAV